The following is an entry in ClinVar:

ClinVar aggregate classification (germline): Uncertain significance (1 of 4 stars; one submission).

Conditions:
Glycogen storage disease, type II (IOPD). Also called: Pompe Disease; CARDIOMEGALIA GLYCOGENICA DIFFUSA; GLYCOGENOSIS, GENERALIZED, CARDIAC FORM; GSD II; POMPE DISEASE, INFANTILE-ONSET; GLYCOGEN STORAGE DISEASE II, INFANTILE-ONSET. Identifiers: Orphanet 365, MedGen C0017921, MONDO:0009290, OMIM 232300.

Submission:

Genomenon, Inc
Classification: Uncertain significance for Glycogen storage disease, type II. Last evaluated: 2026-07-01. Review status: criteria provided, single submitter. Criteria: Genomenon Sequence Variant Interpretation Standards - Updated. Collection method: curation. Allele origin: germline. Affected: yes.
Comment: GAA p.Ser654Pro (c.1960T>C) is a missense variant that changes the amino acid at codon 654 from Serine to Proline. This variant has been observed in at least one proband with a GAA-related disorder in the compound heterozygous and/or homozygous state (PMID:18458862). It is absent or not present at a significant frequency in gnomAD. In conclusion, we classify GAA p.Ser654Pro (c.1960T>C) as a variant of uncertain significance.

Literature cited by the submitters: PubMed 18458862.

NM_000152.5(GAA):c.1960T>C (p.Ser654Pro)

Gene: GAA (alpha glucosidase; plus strand). Cytogenetic location: 17q25.3.
Variant type: single nucleotide variant.
Coding change: c.1960T>C on transcript NM_000152.5 (MANE Select); coding-DNA position 1960, T replaced by C.
Protein change: p.Ser654Pro; replaces serine 654 with proline.
Molecular consequence: missense variant.
Genome position (GRCh38, 1-based): chr17:80,112,947, T>C. VCF-style: chr17-80112947-T-C. GRCh37 (hg19) VCF-style: chr17-78086746-T-C.
Other names: c.1960T>C, p.Ser654Pro (NM_001079803.3, NM_001079804.3, NM_001406741.1 and 1 more transcripts); short protein forms S654P.
Identifiers: ClinVar variation 4876261 (VCV004876261.1).
Genomic context (GRCh38, chr17:80,112,947, plus strand): 5'-TTTAACCTGCTGGGGGTGCCTCTGGTCGGGGCCGACGTCTGCGGCTTCCTGGGCAACACC[T>C]CAGAGGAGCTGTGTGTGCGCTGGACCCAGCTGGGGGCCTTCTACCCCTTCATGCGGAACC-3'
Protein context (NP_000143.2, residues 644-664): ADVCGFLGNT[Ser654Pro]EELCVRWTQL